The following is an entry in ClinVar:

NM_003384.3(VRK1):c.574C>T (p.Gln192Ter)

Gene: VRK1 (VRK serine/threonine kinase 1; plus strand). Cytogenetic location: 14q32.2.
Variant type: single nucleotide variant.
Coding change: c.574C>T on transcript NM_003384.3 (MANE Select); coding-DNA position 574, C replaced by T.
Protein change: p.Gln192Ter; replaces glutamine 192 with a stop codon.
Molecular consequence: nonsense.
Genome position (GRCh38, 1-based): chr14:96,853,164, C>T. VCF-style: chr14-96853164-C-T. GRCh37 (hg19) VCF-style: chr14-97319501-C-T.
Other names: c.574C>T, p.Gln192Ter (NM_001411051.1, NM_001411053.1); short protein forms Q192*.
Identifiers: ClinVar variation 4815122 (VCV004815122.2).

ClinVar aggregate classification (germline): Likely pathogenic (1 of 4 stars; one submission).

Conditions:
Pontocerebellar hypoplasia type 1A (PCH1A). Also called: PONTOCEREBELLAR HYPOPLASIA WITH ANTERIOR HORN CELL DISEASE; PONTOCEREBELLAR HYPOPLASIA WITH INFANTILE SPINAL MUSCULAR ATROPHY. Identifiers: Orphanet 2254, Orphanet 88616, MedGen C1843504, MONDO:0011866, OMIM 607596.

Submission:

Natera, Inc.
Classification: Likely pathogenic for Pontocerebellar hypoplasia, type 1a. Last evaluated: 2024-04-18. Review status: criteria provided, single submitter. Criteria: Natera Variant Classification Schema (03/2026). Collection method: clinical testing. Allele origin: germline.
Comment: The c.574C>T variant in VRK1 is a nonsense variant predicted to introduce a stop codon at amino acid 192. This variant is expected to result in nonsense mediated decay, truncation, or a dysfunctional protein product. This variant is rare in the general population with a frequency below the threshold expected for the associated phenotype(s). Given the available evidence, this variant is classified as Likely Pathogenic.